The following is an entry in ClinVar:

ClinVar aggregate classification (germline): Uncertain significance (1 of 4 stars; one submission).

Conditions:
Autoimmune lymphoproliferative syndrome type 1. Also called: AUTOIMMUNE LYMPHOPROLIFERATIVE SYNDROME, TYPE I, AUTOSOMAL DOMINANT. Identifiers: Orphanet 3261, MedGen C2717884, MONDO:0011158, OMIM 601859.

Allele frequency attached by ClinVar (database versions not stated): gnomAD exomes 0.00001; gnomAD 0.00001.
gnomAD v4.1: 6 of 1,613,850 alleles (0.00037%); highest among the groups gnomAD compares: Admixed American, 0.01%; no homozygotes.

Submission:

Labcorp Genetics (formerly Invitae), Labcorp
Classification: Uncertain significance for Autoimmune lymphoproliferative syndrome. Last evaluated: 2023-08-17. Review status: criteria provided, single submitter. Criteria: Invitae Variant Classification Sherloc (09022015). Collection method: clinical testing. Allele origin: germline.
Comment: This sequence change replaces isoleucine, which is neutral and non-polar, with methionine, which is neutral and non-polar, at codon 295 of the FAS protein (p.Ile295Met). In summary, the available evidence is currently insufficient to determine the role of this variant in disease. Therefore, it has been classified as a Variant of Uncertain Significance. Algorithms developed to predict the effect of missense changes on protein structure and function output the following: SIFT: "Not Available"; PolyPhen-2: "Probably Damaging"; Align-GVGD: "Not Available". The methionine amino acid residue is found in multiple mammalian species, which suggests that this missense change does not adversely affect protein function. ClinVar contains an entry for this variant (Variation ID: 1386808). This variant has not been reported in the literature in individuals affected with FAS-related conditions. This variant is present in population databases (no rsID available, gnomAD 0.009%).

NM_000043.6(FAS):c.885T>G (p.Ile295Met)

Gene: FAS (Fas cell surface death receptor; plus strand). Cytogenetic location: 10q23.31.
Variant type: single nucleotide variant.
Coding change: c.885T>G on transcript NM_000043.6 (MANE Select); coding-DNA position 885, T replaced by G.
Protein change: p.Ile295Met; replaces isoleucine 295 with methionine.
Molecular consequence: missense variant. On other transcripts: 3 prime UTR variant (2), non-coding transcript variant (7).
Genome position (GRCh38, 1-based): chr10:89,014,327, T>G. VCF-style: chr10-89014327-T-G. GRCh37 (hg19) VCF-style: chr10-90774084-T-G.
Other names: c.*208T>G (NM_001320619.2); c.822T>G, p.Ile274Met (NM_152871.4); c.*197T>G (NM_152872.4); short protein forms I295M, I274M.
Identifiers: ClinVar variation 1386808 (VCV001386808.6), dbSNP rs1170990745, ClinGen allele CA377510033.